The following is an entry in ClinVar:

NM_001370298.3(FGD4):c.*3770G>T

Gene: FGD4 (FYVE, RhoGEF and PH domain containing 4; plus strand). Cytogenetic location: 12p11.21.
Variant type: single nucleotide variant.
Coding change: c.*3770G>T on transcript NM_001370298.3 (MANE Select); 3770 bases downstream of the stop codon, G replaced by T.
Molecular consequence: 3 prime UTR variant. On other transcripts: intron variant (3).
Genome position (GRCh38, 1-based): chr12:32,644,303, G>T. VCF-style: chr12-32644303-G-T. GRCh37 (hg19) VCF-style: chr12-32797237-G-T.
Other names: c.*3770G>T (NM_001304481.2, NM_001304484.2, NM_001330373.2 and 5 more transcripts); c.2633-291G>T (NM_001384126.1); c.2222-291G>T (NM_001384127.1, NM_001384128.1).
Identifiers: ClinVar variation 308351 (VCV000308351.6), dbSNP rs11052123, ClinGen allele CA10641890.

ClinVar aggregate classification (germline): Benign. Review status: criteria provided, multiple submitters, no conflicts (2 of 4 stars). 2 submissions from 2 submitters: Benign (2). Last evaluated 2018-01-12.

Conditions:
Charcot-Marie-Tooth disease type 4H (CMT4H). Also called: CHARCOT-MARIE-TOOTH DISEASE, AUTOSOMAL RECESSIVE, TYPE 4H; CHARCOT-MARIE-TOOTH DISEASE, DEMYELINATING, AUTOSOMAL RECESSIVE, TYPE 4H; CHARCOT-MARIE-TOOTH NEUROPATHY, TYPE 4H; CHARCOT-MARIE-TOOTH DISEASE, DEMYELINATING, TYPE 4H. Identifiers: Orphanet 99954, MedGen C1836336, MONDO:0012250, OMIM 609311.

Allele frequency attached by ClinVar (database versions not stated): 1000 Genomes Project 0.43371; 1000 Genomes Project 30x 0.44285; gnomAD 0.45298 and 0.45391; TOPMed 0.46238; gnomAD exomes 0.50000.
gnomAD v4.1: 68,887 of 151,698 alleles (45%); highest among the groups gnomAD compares: Middle Eastern, 62%; 15,939 homozygotes.

Submissions (2):

Illumina Laboratory Services, Illumina
Classification: Benign for Charcot-Marie-Tooth disease type 4H. Last evaluated: 2018-01-12. Review status: criteria provided, single submitter. Criteria: ICSL Variant Classification Criteria 13 December 2019. Collection method: clinical testing. Allele origin: germline.
Comment: This variant was observed in the ICSL laboratory as part of a predisposition screen in an ostensibly healthy population. It had not been previously curated by ICSL or reported in the Human Gene Mutation Database (HGMD: prior to June 1st, 2018), and was therefore a candidate for classification through an automated scoring system. Utilizing variant allele frequency, disease prevalence and penetrance estimates, and inheritance mode, an automated score was calculated to assess if this variant is too frequent to cause the disease. Based on the score and internal cut-off values, a variant classified as benign is not then subjected to further curation. The score for this variant resulted in a classification of benign for this disease.

Breakthrough Genomics
Classification: Benign. Review status: criteria provided, single submitter. Criteria: ACMG Guidelines, 2015. Collection method: not provided. Allele origin: germline. Inheritance: Autosomal recessive inheritance. Affected: yes.